The following is an entry in ClinVar:

NM_001164508.2(NEB):c.9964T>A (p.Phe3322Ile)

Gene: NEB (nebulin; minus strand). Cytogenetic location: 2q23.3.
Variant type: single nucleotide variant.
Coding change: c.9964T>A on transcript NM_001164508.2 (MANE Select); coding-DNA position 9964, T replaced by A.
Protein change: p.Phe3322Ile; replaces phenylalanine 3322 with isoleucine.
Molecular consequence: missense variant.
Genome position (GRCh38, 1-based): chr2:151,627,702, A>T on the plus strand (T>A on the coding strand, the complement: NEB is on the minus strand). VCF-style: chr2-151627702-A-T. GRCh37 (hg19) VCF-style: chr2-152484216-A-T.
Other names: c.9964T>A, p.Phe3322Ile (NM_001164507.2, NM_001271208.2); c.9235T>A, p.Phe3079Ile (NM_004543.5); short protein forms F3079I, F3322I.
Identifiers: ClinVar variation 999418 (VCV000999418.10), dbSNP rs369385033, ClinGen allele CA1909152.

ClinVar aggregate classification (germline): Uncertain significance. Review status: criteria provided, single submitter (1 of 4 stars). 2 submissions from 2 submitters: Uncertain significance (1). 1 of the submissions does not count toward it. Last evaluated 2021-08-24.

Conditions:
Nemaline myopathy 2 (NEM2). Also called: Nemaline myopathy 2, autosomal recessive. Identifiers: MedGen C1850569, MONDO:0009725, OMIM 256030.

Allele frequency attached by ClinVar (database versions not stated): TOPMed below 0.00001; gnomAD 0.00001; ESP Exome Variant Server 0.00008; gnomAD exomes 0.00001; ExAC 0.00002.
gnomAD v4.1: 13 of 1,613,756 alleles (0.00081%); highest among the groups gnomAD compares: Non-Finnish European, 0.001%; no homozygotes.

Submissions (2):

Labcorp Genetics (formerly Invitae), Labcorp
Classification: Uncertain significance for Nemaline myopathy 2. Last evaluated: 2021-08-24. Review status: criteria provided, single submitter. Criteria: Invitae Variant Classification Sherloc (09022015). Collection method: clinical testing. Allele origin: germline.
Comment: This sequence change replaces phenylalanine with isoleucine at codon 3322 of the NEB protein (p.Phe3322Ile). The phenylalanine residue is moderately conserved and there is a small physicochemical difference between phenylalanine and isoleucine. This variant is present in population databases (rs369385033, ExAC 0.004%). This variant has not been reported in the literature in individuals affected with NEB-related conditions. Algorithms developed to predict the effect of missense changes on protein structure and function are either unavailable or do not agree on the potential impact of this missense change (SIFT: "Deleterious"; PolyPhen-2: "Not Available"; Align-GVGD: "Class C0"). In summary, the available evidence is currently insufficient to determine the role of this variant in disease. Therefore, it has been classified as a Variant of Uncertain Significance.

Natera, Inc.
Classification: Uncertain significance for Nemaline myopathy type 2. Last evaluated: 2021-06-03. Review status: no assertion criteria provided. Collection method: clinical testing. Allele origin: germline. Not counted in ClinVar's aggregate classification.